The following is an entry in ClinVar:

NM_000071.3(CBS):c.1039G>A (p.Gly347Ser)

Gene: CBS (cystathionine beta-synthase; minus strand). Cytogenetic location: 21q22.3.
Variant type: single nucleotide variant.
Coding change: c.1039G>A on transcript NM_000071.3 (MANE Select); coding-DNA position 1039, G replaced by A.
Protein change: p.Gly347Ser; replaces glycine 347 with serine.
Molecular consequence: missense variant.
Genome position (GRCh38, 1-based): chr21:43,062,311, C>T on the plus strand (G>A on the coding strand, the complement: CBS is on the minus strand). VCF-style: chr21-43062311-C-T. GRCh37 (hg19) VCF-style: chr21-44482421-C-T.
Other names: p.G347S:GGT>AGT; p.Gly347Ser; c.1039G>A, p.Gly347Ser (NM_001178008.3, NM_001178009.3, NM_001320298.2); c.724G>A, p.Gly242Ser (NM_001321072.1); short protein forms G347S, G242S.
Identifiers: ClinVar variation 188801 (VCV000188801.60), dbSNP rs771298943, ClinGen allele CA273978.

ClinVar aggregate classification (germline): Pathogenic. Review status: criteria provided, multiple submitters, no conflicts (2 of 4 stars). 11 submissions from 11 submitters: Pathogenic (9). 2 of the submissions do not count toward it. Last evaluated 2025-08-29.

Conditions:
Homocystinuria. Identifiers: MedGen C0019880, MONDO:0004737, HP:0002156.
Classic homocystinuria. Also called: HOMOCYSTINURIA WITH OR WITHOUT RESPONSE TO PYRIDOXINE; Homocystinuria due to Cystathionine Beta-Synthase Deficiency; Homocystinuria due to CBS deficiency; Cystathionine beta-synthase deficiency; CBS deficiency. Identifiers: Orphanet 394, MedGen C0751202, MONDO:0009352, OMIM 236200.
Familial thoracic aortic aneurysm and aortic dissection (TAAD). Also called: Thoracic aortic aneurysms and dissections. Identifiers: Orphanet 91387, MedGen C4707243, MONDO:0019625.
HYPERHOMOCYSTEINEMIA, THROMBOTIC, CBS-RELATED. Identifiers: MedGen C3150344, OMIM 236200.

Allele frequency attached by ClinVar (database versions not stated): gnomAD 0.00003.

Submissions (11):

Labcorp Genetics (formerly Invitae), Labcorp
Classification: Pathogenic for HYPERHOMOCYSTEINEMIA, THROMBOTIC, CBS-RELATED. Last evaluated: 2025-08-29. Review status: criteria provided, single submitter. Criteria: Invitae Variant Classification Sherloc (09022015). Collection method: clinical testing. Allele origin: germline.
Comment: This sequence change replaces glycine, which is neutral and non-polar, with serine, which is neutral and polar, at codon 347 of the CBS protein (p.Gly347Ser). This variant also falls at the last nucleotide of exon 11, which is part of the consensus splice site for this exon. This variant is present in population databases (rs771298943, gnomAD 0.007%). This missense change has been observed in individuals with homocystinuria (PMID: 12124992, 16205833, 16307898, 19370759, 24211323). ClinVar contains an entry for this variant (Variation ID: 188801). An algorithm developed to predict the effect of missense changes on protein structure and function (PolyPhen-2) suggests that this variant is likely to be disruptive. Experimental studies have shown that this missense change affects CBS function (PMID: 22267502). Variants that disrupt the consensus splice site are a relatively common cause of aberrant splicing (PMID: 17576681, 9536098). For these reasons, this variant has been classified as Pathogenic.

Natera, Inc.
Classification: Pathogenic for Homocystinuria due to cystathionine beta-synthase deficiency. Last evaluated: 2025-08-29. Review status: criteria provided, single submitter. Criteria: Natera Variant Classification Schema (03/2026). Collection method: clinical testing. Allele origin: germline.
Comment: The c.1039G>A variant in CBS is a missense variant predicted to cause substitution of glycine to serine at amino acid 347. This variant is rare in the general population with a frequency below the threshold expected for the associated phenotype(s). This variant has been observed in one or more individuals affected with the associated recessive disease, as either homozygous or compound heterozygous with a second variant (PMID: 30202406, 24211323, 27243974). Given the available evidence, this variant is classified as Pathogenic.

Ambry Genetics
Classification: Pathogenic for Familial thoracic aortic aneurysm and aortic dissection. Last evaluated: 2024-05-22. Review status: criteria provided, single submitter. Criteria: Ambry Variant Classification Scheme 2023. Collection method: clinical testing. Allele origin: germline.
Comment: The p.G347S pathogenic mutation (also known as c.1039G>A), located in coding exon 9 of the CBS gene, results from a G to A substitution at nucleotide position 1039. The glycine at codon 347 is replaced by serine, an amino acid with similar properties. However, this change occurs in the last base pair of coding exon 9 and may have some effect on normal mRNA splicing. This variant has been identified in the homozygous state and/or in conjunction with other CBS variant(s) in individual(s) with features consistent with homocystinuria (Gaustadnes M et al. Hum. Mutat., 2002 Aug;20:117-26; Lee SJ et al. J. Hum. Genet., 2005 Oct;50:648-54; Katsushima F et al. Mol. Genet. Metab., 2006 Apr;87:323-8; Zschocke J et al. Hum. Mutat., 2009 Jun;30:1021-2; Karaca M et al. Gene, 2014 Jan;534:197-203; Yubero D et al. PLoS ONE, 2016 May;11:e0156359; Alfares AA. Int J Health Sci (Qassim). 2018;12:35-43). In addition, this variant has been reported to result in absence of, or significantly reduced, enzyme activity in various expression systems, and was reported as non-functional in a yeast growth assay (Gaustadnes M et al. Hum. Mutat., 2002 Aug;20:117-26; Mayfield JA et al. Genetics, 2012 Apr;190:1309-23; Lee SJ et al. J. Hum. Genet., 2005 Oct;50:648-54). This variant is considered to be rare based on population cohorts in the Genome Aggregation Database (gnomAD). This nucleotide position is highly conserved in available vertebrate species. In silico splice site analysis predicts that this alteration may result in the creation or strengthening of a novel splice donor site. This amino acid position is highly conserved in available vertebrate species. In addition, as a missense substitution, this alteration is predicted to be deleterious by in silico analysis. Based on the supporting evidence, this variant is interpreted as a disease-causing mutation.

GeneDx
Classification: Pathogenic. Last evaluated: 2024-05-13. Review status: criteria provided, single submitter. Criteria: GeneDx Variant Classification Process June 2021. Collection method: clinical testing. Allele origin: germline. Affected: yes.
Comment: Not observed at significant frequency in large population cohorts (gnomAD); Published functional studies demonstrate that p.(G347S) is associated with very low levels of residual cystathionine beta-synthase enzyme activity compared to wild-type (PMID: 12124992); In silico analysis, which includes splice predictors and evolutionary conservation, suggests this variant may impact gene splicing. In the absence of RNA/functional studies, the actual effect of this sequence change is unknown.; In silico analysis supports that this missense variant has a deleterious effect on protein structure/function; This variant is associated with the following publications: (PMID: 22267502, 16205833, 21517828, 24211323, 19914636, 16307898, 19370759, 30202406, 12124992)

Baylor Genetics
Classification: Pathogenic for Classic homocystinuria. Last evaluated: 2024-03-21. Review status: criteria provided, single submitter. Criteria: ACMG Guidelines, 2015. Collection method: clinical testing. Allele origin: unknown.

Mayo Clinic Laboratories, Mayo Clinic
Classification: Pathogenic. Last evaluated: 2023-01-05. Review status: criteria provided, single submitter. Criteria: ACMG Guidelines, 2015. Collection method: clinical testing. Allele origin: germline. Observed: 1 variant allele.
Comment: PP3, PM2_supporting, PM3, PS3, PS4_moderate

Fulgent Genetics
Classification: Pathogenic for Classic homocystinuria. Last evaluated: 2022-03-03. Review status: criteria provided, single submitter. Criteria: ACMG Guidelines, 2015. Collection method: clinical testing. Allele origin: unknown.

CeGaT Center for Human Genetics Tuebingen
Classification: Pathogenic. Last evaluated: 2021-03-01. Review status: criteria provided, single submitter. Criteria: CeGaT Center For Human Genetics Tuebingen Variant Classification Criteria Version 2. Collection method: clinical testing. Allele origin: germline. Affected: yes. Observed: 1 variant allele.

Women's Health and Genetics/Laboratory Corporation of America, LabCorp
Classification: Pathogenic for Homocystinuria. Last evaluated: 2018-12-14. Review status: criteria provided, single submitter. Criteria: LabCorp Variant Classification Summary - May 2015. Collection method: clinical testing. Allele origin: germline.
Comment: Variant summary: CBS c.1039G>A (p.Gly347Ser) results in a non-conservative amino acid change located in the Pyridoxal-phosphate dependent enzyme domain of the encoded protein sequence. Five of five in-silico tools predict a damaging effect of the variant on protein function. The variant allele was found at a frequency of 3.2e-05 in 30882 control chromosomes. c.1039G>A has been reported in the literature in multiple individuals affected with Homocystinuria (Gaustadnes_2002, Lee_2005, Katsushima_2006, Karaca_2014, Yubero_2016). These data indicate that the variant is very likely to be associated with disease. At least one publication reports experimental evidence evaluating an impact on protein function. The most pronounced variant effect results in <10% of normal activity (Lee_2005). One clinical diagnostic laboratory has submitted clinical-significance assessments for this variant to ClinVar after 2014 without evidence for independent evaluation and classified the variant as pathogenic. Based on the evidence outlined above, the variant was classified as pathogenic.

Counsyl
Classification: Likely pathogenic for Homocystinuria due to CBS deficiency. Last evaluated: 2014-05-22. Review status: no assertion criteria provided. Collection method: literature only. Allele origin: unknown. Inheritance: Autosomal recessive inheritance. Not counted in ClinVar's aggregate classification.

Child Health and Human Development Program, Research Institute of the McGill University Health Center
Classification: Pathogenic for Classic homocystinuria. Review status: no assertion criteria provided. Collection method: clinical testing. Allele origin: unknown. Inheritance: Autosomal recessive inheritance. Affected: yes. Observed: 1 compound heterozygote. Not counted in ClinVar's aggregate classification.
Comment: Clinical characteristics included lens dislocation and elevated fasting homocysteine. Patients had no intellectual impairment and do not respond to treatment with vitamin B6.

Literature cited by the submitters: PubMed 12124992 (cited by 5 submitters); PubMed 16205833 (cited by 5 submitters); PubMed 16307898 (cited by 5 submitters); PubMed 19370759 (cited by 4 submitters); PubMed 24211323 (cited by 6 submitters); PubMed 22267502 (cited by 4 submitters); PubMed 17576681 (cited by Labcorp Genetics (formerly Invitae), Labcorp and Mayo Clinic Laboratories, Mayo Clinic); PubMed 9536098 (cited by Labcorp Genetics (formerly Invitae), Labcorp and Mayo Clinic Laboratories, Mayo Clinic); PubMed 30202406 (cited by 3 submitters); PubMed 27243974 (cited by 4 submitters); PubMed 19914636 (cited by 3 submitters).